The following is an entry in ClinVar:

ClinVar aggregate classification (germline): Uncertain significance (1 of 4 stars; one submission).

Conditions:
Hereditary cancer-predisposing syndrome. Also called: Hereditary Cancer Syndrome; Hereditary neoplastic syndrome; Tumor predisposition; Neoplastic Syndromes, Hereditary. Identifiers: Orphanet 140162, MedGen C0027672, MeSH D009386, MONDO:0015356.

Submission:

Ambry Genetics
Classification: Uncertain significance for Hereditary cancer-predisposing syndrome. Last evaluated: 2024-09-18. Review status: criteria provided, single submitter. Criteria: Ambry Variant Classification Scheme 2023. Collection method: clinical testing. Allele origin: germline.
Comment: The p.M827I variant (also known as c.2481G>A), located in coding exon 15 of the PMS2 gene, results from a G to A substitution at nucleotide position 2481. The methionine at codon 827 is replaced by isoleucine, an amino acid with highly similar properties. This amino acid position is highly conserved in available vertebrate species. In addition, this alteration is predicted to be deleterious by in silico analysis. Since supporting evidence is limited at this time, the clinical significance of this alteration remains unclear.

NM_000535.7(PMS2):c.2481G>A (p.Met827Ile)

Gene: PMS2 (PMS1 homolog 2, mismatch repair system component; minus strand). Cytogenetic location: 7p22.1.
Variant type: single nucleotide variant.
Coding change: c.2481G>A on transcript NM_000535.7 (MANE Select); coding-DNA position 2481, G replaced by A.
Protein change: p.Met827Ile; replaces methionine 827 with isoleucine.
Molecular consequence: missense variant. On other transcripts: non-coding transcript variant (1).
Genome position (GRCh38, 1-based): chr7:5,973,507, C>T on the plus strand (G>A on the coding strand, the complement: PMS2 is on the minus strand). VCF-style: chr7-5973507-C-T. GRCh37 (hg19) VCF-style: chr7-6013138-C-T.
Other names: c.2076G>A, p.Met692Ile (NM_001018040.1, NM_001322003.2, NM_001322004.2 and 12 more transcripts); c.2325G>A, p.Met775Ile (NM_001322006.2); c.2163G>A, p.Met721Ile (NM_001322007.2, NM_001322008.2, NM_001406883.1); c.2109G>A, p.Met703Ile (NM_001322009.2, NM_001406887.1, NM_001406888.1); c.1920G>A, p.Met640Ile (NM_001322010.2, NM_001406906.1, NM_001406907.1); c.1548G>A, p.Met516Ile (NM_001322011.2, NM_001322012.2); c.1908G>A, p.Met636Ile (NM_001322013.2, NM_001406908.1, NM_001406909.1); c.2514G>A, p.Met838Ile (NM_001322014.2); and 20 more; short protein forms M703I, M719I, M721I, M724I, M775I, M786I, M835I, M838I.
Identifiers: ClinVar variation 1791931 (VCV001791931.3), dbSNP rs2535197153, ClinGen allele CA366734970.